The following is an entry in ClinVar:

ClinVar aggregate classification (germline): Uncertain significance (1 of 4 stars; one submission).

Conditions:
Werner syndrome (WRN). Identifiers: Orphanet 902, MedGen C0043119, MONDO:0010196, OMIM 277700.

Allele frequency attached by ClinVar (database versions not stated): gnomAD exomes below 0.00001.
gnomAD v4.1: 1 of 1,612,776 alleles (0.000062%); highest among the groups gnomAD compares: Non-Finnish European, 0.000085%; no homozygotes.

Submission:

Labcorp Genetics (formerly Invitae), Labcorp
Classification: Uncertain significance for Werner syndrome. Last evaluated: 2022-03-10. Review status: criteria provided, single submitter. Criteria: Invitae Variant Classification Sherloc (09022015). Collection method: clinical testing. Allele origin: germline.
Comment: This sequence change replaces serine, which is neutral and polar, with tyrosine, which is neutral and polar, at codon 915 of the WRN protein (p.Ser915Tyr). This variant is not present in population databases (gnomAD no frequency). This variant has not been reported in the literature in individuals affected with WRN-related conditions. Algorithms developed to predict the effect of missense changes on protein structure and function are either unavailable or do not agree on the potential impact of this missense change (SIFT: "Not Available"; PolyPhen-2: "Probably Damaging"; Align-GVGD: "Not Available"). In summary, the available evidence is currently insufficient to determine the role of this variant in disease. Therefore, it has been classified as a Variant of Uncertain Significance.

NM_000553.6(WRN):c.2744C>A (p.Ser915Tyr)

Gene: WRN (WRN RecQ like helicase; plus strand). Cytogenetic location: 8p12.
Variant type: single nucleotide variant.
Coding change: c.2744C>A on transcript NM_000553.6 (MANE Select); coding-DNA position 2744, C replaced by A.
Protein change: p.Ser915Tyr; replaces serine 915 with tyrosine.
Molecular consequence: missense variant.
Genome position (GRCh38, 1-based): chr8:31,124,919, C>A. VCF-style: chr8-31124919-C-A. GRCh37 (hg19) VCF-style: chr8-30982435-C-A.
Other names: short protein forms S915Y.
Identifiers: ClinVar variation 2108266 (VCV002108266.4), dbSNP rs2535995933, ClinGen allele CA370917291.
Genomic context (GRCh38, chr8:31,124,919, plus strand): 5'-CATATACGTTTCTGTTCTTTTATTTAATTTAAAATTTTGTCTTGGGTAGAATCATCTTGT[C>A]TCATTTTGAGGACAAACAAGTACAAAAAGCCTCCTTGGGAATTATGGGAACTGAAAAATG-3'
Protein context (NP_000544.2, residues 905-925): SSRCRRQIIL[Ser915Tyr]HFEDKQVQKA